The following is an entry in ClinVar:

ClinVar aggregate classification (germline): Uncertain significance (1 of 4 stars; one submission).

Conditions:
Autosomal recessive limb-girdle muscular dystrophy type 2O. Also called: Limb-Girdle Muscular Dystrophy Type 3C; MUSCULAR DYSTROPHY-DYSTROGLYCANOPATHY (LIMB-GIRDLE), TYPE C, 3; MUSCULAR DYSTROPHY-DYSTROGLYCANOPATHY, LIMB-GIRDLE, POMGNT1-RELATED. Identifiers: Orphanet 206564, MedGen C3150417, MONDO:0013161, OMIM 613157.
Muscular dystrophy-dystroglycanopathy (congenital with impaired intellectual development), type B, 3. Also called: Muscular dystrophy-dystroglycanopathy (congenital with intellectual disability), type B3; MUSCULAR DYSTROPHY, CONGENITAL, POMGNT1-RELATED. Identifiers: MedGen C3150412, MONDO:0013155, OMIM 613151.

Allele frequency attached by ClinVar (database versions not stated): ExAC 0.00003; TOPMed 0.00001; gnomAD 0.00001; gnomAD exomes 0.00003.
gnomAD v4.1: 18 of 1,611,936 alleles (0.0011%); highest among the groups gnomAD compares: South Asian, 0.014%; no homozygotes.

Submission:

Labcorp Genetics (formerly Invitae), Labcorp
Classification: Uncertain significance for Autosomal recessive limb-girdle muscular dystrophy type 2O; Muscular dystrophy-dystroglycanopathy (congenital with impaired intellectual development), type B, 3. Last evaluated: 2026-01-19. Review status: criteria provided, single submitter. Criteria: Invitae Variant Classification Sherloc (09022015). Collection method: clinical testing. Allele origin: germline.
Comment: This sequence change replaces proline, which is neutral and non-polar, with serine, which is neutral and polar, at codon 344 of the POMGNT1 protein (p.Pro344Ser). This variant is present in population databases (rs755454684, gnomAD 0.02%). This variant has not been reported in the literature in individuals affected with POMGNT1-related conditions. ClinVar contains an entry for this variant (Variation ID: 1525087). Invitae Evidence Modeling of protein sequence and biophysical properties (such as structural, functional, and spatial information, amino acid conservation, physicochemical variation, residue mobility, and thermodynamic stability) has been performed for this missense variant. However, the output from this modeling did not meet the statistical confidence thresholds required to predict the impact of this variant on POMGNT1 protein function. In summary, the available evidence is currently insufficient to determine the role of this variant in disease. Therefore, it has been classified as a Variant of Uncertain Significance.

NM_017739.4(POMGNT1):c.1030C>T (p.Pro344Ser)

Genes: POMGNT1 (protein O-linked mannose N-acetylglucosaminyltransferase 1 (beta 1,2-); minus strand), TSPAN1 (tetraspanin 1; plus strand). Cytogenetic location: 1p34.1.
Variant type: single nucleotide variant.
Coding change: c.1030C>T on transcript NM_017739.4 (MANE Select); coding-DNA position 1030, C replaced by T.
Protein change: p.Pro344Ser; replaces proline 344 with serine.
Molecular consequence: missense variant.
Genome position (GRCh38, 1-based): chr1:46,193,385, G>A on the plus strand (C>T on the coding strand, the complement: POMGNT1 is on the minus strand). VCF-style: chr1-46193385-G-A. GRCh37 (hg19) VCF-style: chr1-46659057-G-A.
Other names: c.1030C>T, p.Pro344Ser (NM_001243766.2, NM_001410783.1); c.964C>T, p.Pro322Ser (NM_001290129.3); c.601C>T, p.Pro201Ser (NM_001290130.2); short protein forms P201S, P322S, P344S.
Identifiers: ClinVar variation 1525087 (VCV001525087.6), dbSNP rs755454684, ClinGen allele CA833509.